The following is an entry in ClinVar:

ClinVar aggregate classification (germline): Pathogenic/Likely pathogenic. Review status: criteria provided, multiple submitters, no conflicts (2 of 4 stars). 13 submissions from 12 submitters: Pathogenic (11); Likely pathogenic (1). 1 of the submissions does not count toward it. Last evaluated 2026-04-29.

Conditions:
FGFR2-related disorder. Identifiers: MedGen CN380096.
Choanal stenosis. Identifiers: MedGen C0584837, HP:0000452.
Brachyturricephaly. Identifiers: MedGen C1857484, HP:0000244.
Wide anterior fontanel. Identifiers: MedGen C1866134, HP:0000260.
Narrow forehead. Identifiers: MedGen C1839758, HP:0000341.
Low-set ears. Identifiers: MedGen C0239234, HP:0000369.
Abnormal zygomatic bone morphology. Also called: Abnormality of the zygomatic bone. Identifiers: MedGen C4023749, HP:0010668.
Abnormal posterior cranial fossa morphology. Also called: Abnormality of the posterior cranial fossa. Identifiers: MedGen C3280768, HP:0000932.
Deviated nasal septum. Identifiers: MedGen C0549397, HP:0004411.
Abnormal pinna morphology. Also called: Bilateral external ear deformity; Abnormality of the pinna. Identifiers: MedGen C0857379, HP:0000377.
Facial asymmetry. Also called: Asymmetric Face. Identifiers: MedGen C1306710, HP:0000324.
Short neck. Identifiers: MedGen C0521525, HP:0000470.
Hydrocephalus (HYC). Identifiers: MedGen C0020255, MONDO:0001150, HP:0000238.
Shallow orbits. Identifiers: MedGen C1865244, HP:0000586.
Cranial asymmetry. Identifiers: MedGen C1860245, HP:0000267.
High palate. Identifiers: MedGen C0240635, HP:0000218.
Downslanted palpebral fissures. Identifiers: MedGen C0423110, HP:0000494.
Flat occiput. Identifiers: MedGen C1837402, HP:0005469.
Hypertelorism. Identifiers: MedGen C0020534, OMIM 145400, HP:0000316.
Lateral ventricle dilatation. Also called: Dilation of lateral ventricles. Identifiers: MedGen C1856409, HP:0006956.
Hypointensity of cerebral white matter on MRI. Identifiers: MedGen C4020908, HP:0007103.
High forehead. Identifiers: MedGen C0239676, HP:0000348.
Mild fetal ventriculomegaly. Identifiers: MedGen C4023628, HP:0010952.
FGFR2-related craniosynostosis. Identifiers: MedGen CN231480.
Meier-Gorlin syndrome 1 (MGORS1). Also called: EAR, PATELLA, SHORT STATURE SYNDROME. Identifiers: Orphanet 2554, MedGen C4552001, MONDO:0009143, OMIM 224690.
Crouzon syndrome. Also called: CRANIOFACIAL DYSOSTOSIS, TYPE I; Craniofacial dysostosis; Craniofacial dysostosis type 1; Crouzon craniofacial dysostosis; Crouzon disease. Identifiers: Orphanet 207, MedGen C0010273, MeSH D003394, MONDO:0007405, OMIM 123500, HP:0004439.
Pfeiffer syndrome (ACS5). Also called: ACS V. Identifiers: Orphanet 710, MedGen C0220658, MONDO:0007043, OMIM 101600.

Submissions (13):

PreventionGenetics, part of Exact Sciences
Classification: Pathogenic for FGFR2-related condition. Last evaluated: 2026-04-29. Review status: criteria provided, single submitter. Criteria: ACMG Guidelines, 2015. Collection method: clinical testing. Allele origin: germline.
Comment: The FGFR2 c.1040C>G variant is predicted to result in the amino acid substitution p.Ser347Cys. This variant has been reported as a recurrent de novo variant in multiple individuals with Crouzon syndrome (see for example, Jabs et al. 1994. PubMed ID: 7874170; Kan et al. 2002. PubMed ID: 11781872; Wilkie et al. 2010. PubMed ID: 20643727; Ohishi et al. 2016. PubMed ID: 27683237), Pfeiffer syndrome (Chun et al. 2003. PubMed ID: 12884424; Chokdeemboon et al. 2013. PubMed ID: 23348274), and Jackson-Weiss syndrome (Ohishi et al. 2016. PubMed ID: 27683237). This variant has not been reported in a large population database (gnomAD), indicating this variant is rare. This variant is interpreted as pathogenic.

3billion
Classification: Pathogenic for FGFR2-related disorder. Last evaluated: 2025-12-04. Review status: criteria provided, single submitter. Criteria: ACMG Guidelines, 2015. Collection method: clinical testing. Allele origin: germline. Affected: yes.
Comment: The variant is not observed in the gnomAD v4.1.0 dataset. Predicted Consequence/Location: Missense variant. Missense changes are a common disease-causing mechanism. In silico tool predictions suggest damaging effect of the variant on gene or gene product [REVEL: 0.72 (>=0.6, sensitivity 0.68 and specificity 0.92); 3Cnet: 0.99 (> 0.75, sensitivity 0.96 and precision 0.92)]. The same nucleotide change resulting in the same amino acid change has been previously reported as pathogenic/likely pathogenic with strong evidence (ClinVar ID: VCV000013271 /PMID: 7874170 /3billion dataset). The variant has been observed in at least two similarly affected unrelated individuals (PMID: 27683237). Therefore, this variant is classified as Pathogenic according to the recommendation of ACMG/AMP guideline.

Genomic Medicine Center of Excellence, King Faisal Specialist Hospital and Research Centre
Classification: Pathogenic for Pfeiffer syndrome. Last evaluated: 2025-09-10. Review status: criteria provided, single submitter. Criteria: ACMG Guidelines, 2015. Collection method: clinical testing. Allele origin: germline.

Labcorp Genetics (formerly Invitae), Labcorp
Classification: Pathogenic for FGFR2-related craniosynostosis. Last evaluated: 2025-07-23. Review status: criteria provided, single submitter. Criteria: Invitae Variant Classification Sherloc (09022015). Collection method: clinical testing. Allele origin: germline.
Comment: This sequence change replaces serine, which is neutral and polar, with cysteine, which is neutral and slightly polar, at codon 347 of the FGFR2 protein (p.Ser347Cys). This variant is not present in population databases (gnomAD no frequency). This missense change has been observed in individual(s) with clinical features of FGFR2-related disorders (PMID: 7874170, 12884424, 20643727, 23348274, 27228464, 27683237). In at least one individual the variant was observed to be de novo. ClinVar contains an entry for this variant (Variation ID: 13271). Invitae Evidence Modeling of protein sequence and biophysical properties (such as structural, functional, and spatial information, amino acid conservation, physicochemical variation, residue mobility, and thermodynamic stability) has been performed for this missense variant. However, the output from this modeling did not meet the statistical confidence thresholds required to predict the impact of this variant on FGFR2 protein function. Algorithms developed to predict the effect of sequence changes on RNA splicing suggest that this variant may disrupt the consensus splice site. For these reasons, this variant has been classified as Pathogenic.

Genomic Medicine Center of Excellence, King Faisal Specialist Hospital and Research Centre
Classification: Pathogenic for Meier-Gorlin syndrome 1. Last evaluated: 2024-12-17. Review status: criteria provided, single submitter. Criteria: ACMG Guidelines, 2015. Collection method: clinical testing. Allele origin: germline.

GeneDx
Classification: Pathogenic. Last evaluated: 2024-01-23. Review status: criteria provided, single submitter. Criteria: GeneDx Variant Classification Process June 2021. Collection method: clinical testing. Allele origin: germline. Affected: yes.
Comment: Not observed in large population cohorts (gnomAD); In silico analysis, which includes protein predictors and evolutionary conservation, supports a deleterious effect; This variant is associated with the following publications: (PMID: 23754559, 12884424, 31837199, 23348274, 27683237, 7874170, 27228464, 20643727, 25271085, 11781872, 31501239, 33404724, 35275860)

Revvity Omics, Revvity
Classification: Pathogenic. Last evaluated: 2020-11-13. Review status: criteria provided, single submitter. Criteria: ACMG Guidelines, 2015. Collection method: clinical testing. Allele origin: germline.

Blueprint Genetics
Classification: Pathogenic for FGFR2-related disorders. Last evaluated: 2020-04-08. Review status: criteria provided, single submitter. Criteria: ACMG Guidelines, 2015. Collection method: clinical testing. Allele origin: germline. Affected: yes. Observed: 1 variant allele.

Centre for Mendelian Genomics, University Medical Centre Ljubljana
Classification: Likely pathogenic for Abnormal pinna morphology; Abnormal posterior cranial fossa morphology; Abnormal zygomatic bone morphology; Brachyturricephaly; Choanal stenosis; Cranial asymmetry; Deviated nasal septum; Lateral ventricle dilatation; Downslanted palpebral fissures; Facial asymmetry; Flat occiput; High forehead; High palate; Hydrocephalus; Hypertelorism; Hypointensity of cerebral white matter on MRI; Low-set ears; Mild fetal ventriculomegaly; Narrow forehead; Shallow orbits; Short neck; Wide anterior fontanel. Last evaluated: 2017-01-01. Review status: criteria provided, single submitter. Criteria: ACMG Guidelines, 2015. Collection method: clinical testing. Allele origin: unknown. Affected: yes.

Eurofins Ntd Llc (ga)
Classification: Pathogenic. Last evaluated: 2016-10-11. Review status: criteria provided, single submitter. Criteria: EGL Classification Definitions 2015. Collection method: clinical testing. Allele origin: germline. Observed: 1 variant allele, 1 heterozygote.

Genomic Diagnostic Laboratory, Division of Genomic Diagnostics, Children's Hospital of Philadelphia
Classification: Pathogenic for Crouzon syndrome. Last evaluated: 2016-09-17. Review status: criteria provided, single submitter. Criteria: DGD Variant Analysis Guidelines. Collection method: clinical testing. Allele origin: germline. Affected: yes. Observed: 4 variant alleles.
Comment: Clinical Testing

Neuberg Centre For Genomic Medicine, NCGM
Classification: Pathogenic for Pfeiffer syndrome. Review status: criteria provided, single submitter. Criteria: ACMG Guidelines, 2015. Collection method: clinical testing. Allele origin: germline. Affected: yes.
Comment: The missense variant p.S347C in FGFR2 (NM_000141.5) causes the same amino acid change as a previously established pathogenic variant. The p.S347C variant is novel (not in any individuals) in gnomAD Exomes and is novel (not in any individuals) in 1000 Genomes. This variant has been reported in the literature in many individuals affected with clinical features of FGFR2-related disorders (Chun K et al, 2003; Wenger TL et al, 2017), including several de novo observations (Jabs EW et al, 1994; Ohishi A et al, 2017; Chokdeemboon C et al, 2013; Wilkie AO et al, 2010). The gene FGFR2 contains 65 pathogenic missense variants, indicating that missense variants are a common mechanism of disease in this gene. 11 variants within 6 amino acid positions of the variant p.S347C have been shown to be pathogenic, while none have been shown to be benign. The p.S347C missense variant is predicted to be damaging by both SIFT and PolyPhen2. The serine residue at codon 347 of FGFR2 is conserved in all mammalian species. The nucleotide c.1040 in FGFR2 is predicted conserved by GERP++ and PhyloP across 100 vertebrates. For these reasons, this variant has been classified as Pathogenic.

OMIM
Classification: Pathogenic for CROUZON SYNDROME. Last evaluated: 1994-11-01. Review status: no assertion criteria provided. Collection method: literature only. Allele origin: germline. Not counted in ClinVar's aggregate classification.

Literature cited by the submitters: PubMed 7874170 (cited by 4 submitters); PubMed 27683237 (cited by 3billion and Labcorp Genetics (formerly Invitae), Labcorp); PubMed 12884424 (cited by Labcorp Genetics (formerly Invitae), Labcorp and Eurofins Ntd Llc (ga)); PubMed 20643727 (cited by Labcorp Genetics (formerly Invitae), Labcorp and Eurofins Ntd Llc (ga)); PubMed 23348274 (cited by Labcorp Genetics (formerly Invitae), Labcorp and Eurofins Ntd Llc (ga)); PubMed 27228464 (cited by Labcorp Genetics (formerly Invitae), Labcorp); PubMed 11781872 (cited by Eurofins Ntd Llc (ga)); PubMed 23754559 (cited by Eurofins Ntd Llc (ga)); PubMed 25271085 (cited by Eurofins Ntd Llc (ga)).

NM_000141.5(FGFR2):c.1040C>G (p.Ser347Cys)

Gene: FGFR2 (fibroblast growth factor receptor 2; minus strand). Cytogenetic location: 10q26.13.
Variant type: single nucleotide variant.
Coding change: c.1040C>G on transcript NM_000141.5 (MANE Select); coding-DNA position 1040, C replaced by G.
Protein change: p.Ser347Cys; replaces serine 347 with cysteine.
Molecular consequence: missense variant. On other transcripts: non-coding transcript variant (1), intron variant (5).
Genome position (GRCh38, 1-based): chr10:121,517,363, G>C on the plus strand (C>G on the coding strand, the complement: FGFR2 is on the minus strand). VCF-style: chr10-121517363-G-C. GRCh37 (hg19) VCF-style: chr10-123276877-G-C.
Other names: c.1087+1319C>G (NM_022970.3, NM_022970.4, NM_001144913.1); c.773C>G, p.Ser258Cys (NM_001144915.2, NM_023029.3); c.695C>G, p.Ser232Cys (NM_001144916.2, NM_001144918.2); c.356C>G, p.Ser119Cys (NM_001320654.2); c.1040C>G, p.Ser347Cys (NM_001320658.2); c.749-2044C>G (NM_001144914.1); c.939+2616C>G (NM_001144917.2); c.820+1319C>G (NM_001144919.2); short protein forms S347C, S258C, S232C, S119C.
Identifiers: ClinVar variation 13271 (VCV000013271.30), dbSNP rs121918494, ClinGen allele CA280173.